The following is an entry in ClinVar:

ClinVar aggregate classification (germline): Uncertain significance (1 of 4 stars; one submission).

Conditions:
Arrhythmogenic right ventricular dysplasia 13. Also called: ARRHYTHMOGENIC RIGHT VENTRICULAR CARDIOMYOPATHY 13; Arrhythmogenic right ventricular dysplasia, familial, 13. Identifiers: MedGen C3810138, MONDO:0000908, OMIM 615616.

Allele frequency attached by ClinVar (database versions not stated): TOPMed below 0.00001; gnomAD exomes 0.00001.

Submission:

Labcorp Genetics (formerly Invitae), Labcorp
Classification: Uncertain significance for Arrhythmogenic right ventricular dysplasia 13. Last evaluated: 2025-03-25. Review status: criteria provided, single submitter. Criteria: Invitae Variant Classification Sherloc (09022015). Collection method: clinical testing. Allele origin: germline.
Comment: This sequence change creates a premature translational stop signal (p.Cys113Phefs*30) in the CTNNA3 gene. It is expected to result in an absent or disrupted protein product. However, the current clinical and genetic evidence is not sufficient to establish whether loss-of-function variants in CTNNA3 cause disease. This variant is not present in population databases (gnomAD no frequency). This variant has not been reported in the literature in individuals affected with CTNNA3-related conditions. ClinVar contains an entry for this variant (Variation ID: 2171368). In summary, the available evidence is currently insufficient to determine the role of this variant in disease. Therefore, it has been classified as a Variant of Uncertain Significance.

NM_013266.4(CTNNA3):c.336_337del (p.Cys113fs)

Gene: CTNNA3 (catenin alpha 3; minus strand). Cytogenetic location: 10q21.3.
Variant type: Deletion.
Coding change: c.336_337del on transcript NM_013266.4 (MANE Select); coding-DNA positions 336 to 337, 2 bases deleted (CT; older notation c.336_337delCT).
Protein change: p.Cys113fs; shifts the reading frame from cysteine 113.
Molecular consequence: frameshift variant.
Genome position (GRCh38, 1-based): chr10:67,539,625-67,539,626, AG deleted on the plus strand (CT on the coding strand, the reverse complement: CTNNA3 is on the minus strand). VCF-style (leftmost placement, unchanged base first): chr10-67539624-CAG-C. GRCh37 (hg19) VCF-style: chr10-69299382-CAG-C.
Other names: c.336_337del, p.Cys113fs (NM_001127384.3); c.372_373del, p.Cys125fs (NM_001291133.2); short protein forms C113fs, C125fs.
Identifiers: ClinVar variation 2171368 (VCV002171368.4), dbSNP rs1840605538, ClinGen allele CA1916926196.